The following is an entry in ClinVar:

NM_002458.3(MUC5B):c.14937T>C (p.Ile4979=)

Gene: MUC5B (mucin 5B, oligomeric mucus/gel-forming; plus strand). Cytogenetic location: 11p15.5.
Variant type: single nucleotide variant.
Coding change: c.14937T>C on transcript NM_002458.3 (MANE Select); coding-DNA position 14937, T replaced by C.
Protein change: p.Ile4979=; no amino-acid change (isoleucine 4979 retained).
Molecular consequence: synonymous variant.
Genome position (GRCh38, 1-based): chr11:1,252,416, T>C. VCF-style: chr11-1252416-T-C. GRCh37 (hg19) VCF-style: chr11-1273646-T-C.
Identifiers: ClinVar variation 164001 (VCV000164001.5), dbSNP rs148759448, ClinGen allele CA176765.
Genomic context (GRCh38, chr11:1,252,416, plus strand): 5'-CAATAAGACCGACCGAGCCGGCTGCCATTTCTACGCAGTGTGCAATCAGCACTGTGACAT[T>C]GACCGCTTCCAGGGCGCCTGTCCCACCTCCCCACCGCCAGTGTCCTCCGCCCCGCTGTCC-3'
Protein context (NP_002449.2, residues 4969-4989): FYAVCNQHCD[Ile4979=]DRFQGACPTS

ClinVar aggregate classification (germline): Benign. Review status: criteria provided, multiple submitters, no conflicts (2 of 4 stars). 2 submissions from 2 submitters: Benign (2). Last evaluated 2013-02-21.

Allele frequency attached by ClinVar (database versions not stated): gnomAD exomes 0.02658 and 0.03022; TOPMed 0.02003; gnomAD 0.02540 and 0.02629; ESP Exome Variant Server 0.02686; ExAC 0.02856; 1000 Genomes Project 30x 0.01452; 1000 Genomes Project 0.01498.
gnomAD v4.1: 47,759 of 1,611,078 alleles (3%); highest among the groups gnomAD compares: Non-Finnish European, 3.3%; 907 homozygotes.

Submissions (2):

Laboratory for Molecular Medicine, Mass General Brigham Personalized Medicine
Classification: Benign. Last evaluated: 2013-02-21. Review status: criteria provided, single submitter. Criteria: LMM Criteria. Collection method: clinical testing. Allele origin: germline. Observed: 7 variant alleles.
Comment: Ile4979Ile in exon 32 of MUC5B: This variant is not expected to have clinical si gnificance because it does not alter an amino acid residue and is not located wi thin the splice consensus sequence. It has been identified in 3.2% (273/8438) of European American chromosomes from a broad population by the NHLBI Exome Sequen cing Project (dbSNP rs148759448).

Breakthrough Genomics
Classification: Benign. Review status: criteria provided, single submitter. Criteria: ACMG Guidelines, 2015. Collection method: not provided. Allele origin: germline. Inheritance: Autosomal dominant inheritance. Affected: yes.